The following is an entry in ClinVar:

ClinVar aggregate classification (germline): Conflicting classifications of pathogenicity. Review status: criteria provided, conflicting classifications (1 of 4 stars). 3 submissions from 3 submitters: Uncertain significance (1); Likely benign (2). Last evaluated 2026-02-18.

Allele frequency attached by ClinVar (database versions not stated): TOPMed 0.00009; 1000 Genomes Project 30x 0.00016; 1000 Genomes Project 0.00020; ESP Exome Variant Server 0.00023; ExAC 0.00032.
gnomAD v4.1: 254 of 1,614,222 alleles (0.016%); highest among the groups gnomAD compares: South Asian, 0.16%; no homozygotes.

Submissions (3):

Women's Health and Genetics/Laboratory Corporation of America, LabCorp
Classification: Likely benign. Last evaluated: 2026-02-18. Review status: criteria provided, single submitter. Criteria: LabCorp Variant Classification Summary - May 2015. Collection method: clinical testing. Allele origin: germline.
Comment: Variant summary: ARHGEF10 c.1315C>G (p.Leu439Val) results in a conservative amino acid change in the encoded protein sequence. Algorithms developed to predict the effect of missense changes on protein structure and function are either unavailable or do not agree on the potential impact of this missense change. The variant allele was found at a frequency of 0.00024 in 251476 control chromosomes, predominantly at a frequency of 0.0013 within the South Asian subpopulation in the gnomAD database. The observed variant frequency within South Asian control individuals in the gnomAD database exceeds the estimated maximal expected allele frequency for disease-causing variants in ARHGEF10. c.1315C>G has been reported as a VUS in at least two individuals unddergoing multigene testing for clinically-suspected hereditary neuropathies, without strong evidence for causality (e.g. Antoniadi_2015, Taghizadeh_2020). These reports do not provide unequivocal conclusions about association of the variant with autosomal dominant slowed nerve conduction velocity. To our knowledge, no experimental evidence demonstrating an impact on protein function has been reported. The following publications have been ascertained in the context of this evaluation (PMID: 26392352, 32657593). ClinVar contains an entry for this variant (Variation ID: 1444068). Based on the evidence outlined above, the variant was classified as likely benign.

Labcorp Genetics (formerly Invitae), Labcorp
Classification: Uncertain significance. Last evaluated: 2024-12-02. Review status: criteria provided, single submitter. Criteria: Invitae Variant Classification Sherloc (09022015). Collection method: clinical testing. Allele origin: germline.
Comment: This sequence change replaces leucine, which is neutral and non-polar, with valine, which is neutral and non-polar, at codon 439 of the ARHGEF10 protein (p.Leu439Val). This variant is present in population databases (rs150372520, gnomAD 0.1%), and has an allele count higher than expected for a pathogenic variant. This missense change has been observed in individual(s) with clinical features of ARHGEF10-related condition (PMID: 32657593). ClinVar contains an entry for this variant (Variation ID: 1444068). Invitae Evidence Modeling of protein sequence and biophysical properties (such as structural, functional, and spatial information, amino acid conservation, physicochemical variation, residue mobility, and thermodynamic stability) indicates that this missense variant is not expected to disrupt ARHGEF10 protein function with a negative predictive value of 80%. In summary, the available evidence is currently insufficient to determine the role of this variant in disease. Therefore, it has been classified as a Variant of Uncertain Significance.

CeGaT Center for Human Genetics Tuebingen
Classification: Likely benign. Last evaluated: 2024-11-01. Review status: criteria provided, single submitter. Criteria: CeGaT Center For Human Genetics Tuebingen Variant Classification Criteria Version 2. Collection method: clinical testing. Allele origin: germline. Affected: yes. Observed: 1 variant allele.
Comment: ARHGEF10: BP4

Literature cited by the submitters: PubMed 26392352 (cited by Women's Health and Genetics/Laboratory Corporation of America, LabCorp); PubMed 32657593 (cited by Women's Health and Genetics/Laboratory Corporation of America, LabCorp and Labcorp Genetics (formerly Invitae), Labcorp).

NM_014629.4(ARHGEF10):c.1315C>G (p.Leu439Val)

Gene: ARHGEF10 (Rho guanine nucleotide exchange factor 10; plus strand). Cytogenetic location: 8p23.3.
Variant type: single nucleotide variant.
Coding change: c.1315C>G on transcript NM_014629.4 (MANE Select); coding-DNA position 1315, C replaced by G.
Protein change: p.Leu439Val; replaces leucine 439 with valine.
Molecular consequence: missense variant.
Genome position (GRCh38, 1-based): chr8:1,894,447, C>G. VCF-style: chr8-1894447-C-G. GRCh37 (hg19) VCF-style: chr8-1842613-C-G.
Other names: c.1201C>G, p.Leu401Val (NM_001308152.2); c.1318C>G, p.Leu440Val (NM_001308153.3); short protein forms L464V, L439V, L401V, L440V.
Identifiers: ClinVar variation 1444068 (VCV001444068.21), dbSNP rs150372520, ClinGen allele CA4600323.